The following is an entry in ClinVar:

NM_000318.3(PEX2):c.298A>G (p.Lys100Glu)

Gene: PEX2 (peroxisomal biogenesis factor 2; minus strand). Cytogenetic location: 8q21.13.
Variant type: single nucleotide variant.
Coding change: c.298A>G on transcript NM_000318.3 (MANE Select); coding-DNA position 298, A replaced by G.
Protein change: p.Lys100Glu; replaces lysine 100 with glutamic acid.
Molecular consequence: missense variant.
Genome position (GRCh38, 1-based): chr8:76,983,881, T>C on the plus strand (A>G on the coding strand, the complement: PEX2 is on the minus strand). VCF-style: chr8-76983881-T-C. GRCh37 (hg19) VCF-style: chr8-77896117-T-C.
Other names: c.298A>G, p.Lys100Glu (NM_001079867.2, NM_001172086.2, NM_001172087.2); short protein forms K100E.
Identifiers: ClinVar variation 1714811 (VCV001714811.5), dbSNP rs1806921038, ClinGen allele CA371557655.

ClinVar aggregate classification (germline): Uncertain significance (1 of 4 stars; one submission).

Conditions:
Peroxisome biogenesis disorder 5A (Zellweger) (PBD5A). Identifiers: Orphanet 912, MedGen C3553940, MONDO:0013932, OMIM 614866.

Allele frequency attached by ClinVar (database versions not stated): gnomAD 0.00001.
gnomAD v4.1: 1 of 1,614,086 alleles (0.000062%); highest among the groups gnomAD compares: South Asian, 0.0011%; no homozygotes.

Submission:

Labcorp Genetics (formerly Invitae), Labcorp
Classification: Uncertain significance for Peroxisome biogenesis disorder 5A (Zellweger). Last evaluated: 2022-11-28. Review status: criteria provided, single submitter. Criteria: Invitae Variant Classification Sherloc (09022015). Collection method: clinical testing. Allele origin: germline.
Comment: In summary, the available evidence is currently insufficient to determine the role of this variant in disease. Therefore, it has been classified as a Variant of Uncertain Significance. Advanced modeling of protein sequence and biophysical properties (such as structural, functional, and spatial information, amino acid conservation, physicochemical variation, residue mobility, and thermodynamic stability) performed at Invitae indicates that this missense variant is not expected to disrupt PEX2 protein function. This sequence change replaces lysine, which is basic and polar, with glutamic acid, which is acidic and polar, at codon 100 of the PEX2 protein (p.Lys100Glu). This variant is not present in population databases (gnomAD no frequency). This variant has not been reported in the literature in individuals affected with PEX2-related conditions.